The following is an entry in ClinVar:

NM_006393.3(NEBL):c.103G>A (p.Glu35Lys)

Gene: NEBL (nebulette; minus strand). Cytogenetic location: 10p12.31.
Variant type: single nucleotide variant.
Coding change: c.103G>A on transcript NM_006393.3 (MANE Select); coding-DNA position 103, G replaced by A.
Protein change: p.Glu35Lys; replaces glutamic acid 35 with lysine.
Molecular consequence: missense variant. On other transcripts: intron variant (9).
Genome position (GRCh38, 1-based): chr10:20,897,008, C>T on the plus strand (G>A on the coding strand, the complement: NEBL is on the minus strand). VCF-style: chr10-20897008-C-T. GRCh37 (hg19) VCF-style: chr10-21185937-C-T.
Other names: c.249+64664G>A (NM_001377326.1, NM_001377327.1, NM_001377328.1); c.357+64664G>A (NM_213569.2, NM_001173484.2, NM_001377322.1); c.300+64664G>A (NM_001377324.1); c.291+64664G>A (NM_001377325.1); c.309+64664G>A (NM_001377323.1); short protein forms E35K.
Identifiers: ClinVar variation 240645 (VCV000240645.11), dbSNP rs878854902, ClinGen allele CA10582716.

ClinVar aggregate classification (germline): Uncertain significance (1 of 4 stars; one submission).

Conditions:
Primary dilated cardiomyopathy (DCM). Also called: Dilated Cardiomyopathy. Identifiers: Orphanet 217604, MedGen C0007193, MeSH D002311, MONDO:0005021, HP:0001644. Inheritance: Various modes of inheritance.

Allele frequency attached by ClinVar (database versions not stated): gnomAD 0.00001; gnomAD exomes 0.00001.
gnomAD v4.1: 8 of 1,613,534 alleles (0.0005%); highest among the groups gnomAD compares: African/African-American, 0.0013%; no homozygotes.

Submission:

Labcorp Genetics (formerly Invitae), Labcorp
Classification: Uncertain significance for Primary dilated cardiomyopathy. Last evaluated: 2023-08-16. Review status: criteria provided, single submitter. Criteria: Invitae Variant Classification Sherloc (09022015). Collection method: clinical testing. Allele origin: germline.
Comment: In summary, the available evidence is currently insufficient to determine the role of this variant in disease. Therefore, it has been classified as a Variant of Uncertain Significance. An algorithm developed to predict the effect of missense changes on protein structure and function (PolyPhen-2) suggests that this variant is likely to be disruptive. ClinVar contains an entry for this variant (Variation ID: 240645). This variant has not been reported in the literature in individuals affected with NEBL-related conditions. This variant is present in population databases (no rsID available, gnomAD 0.007%). This sequence change replaces glutamic acid, which is acidic and polar, with lysine, which is basic and polar, at codon 35 of the NEBL protein (p.Glu35Lys).